The following is an entry in ClinVar:

NM_000458.4(HNF1B):c.406dup (p.Gln136fs)

Gene: HNF1B (HNF1 homeobox B; minus strand). Cytogenetic location: 17q12.
Variant type: Duplication.
Coding change: c.406dup on transcript NM_000458.4 (MANE Select); coding-DNA position 406, one base duplicated (C; older notation c.406dupC).
Protein change: p.Gln136fs; shifts the reading frame from glutamine 136.
Molecular consequence: frameshift variant.
Genome position (GRCh38, 1-based): chr17:37,739,578, G duplicated on the plus strand (C on the coding strand, the reverse complement: HNF1B is on the minus strand); the first of 5 consecutive G bases (chr17:37,739,578-37,739,582); duplicating any one gives the same sequence. VCF-style (leftmost placement, unchanged base first): chr17-37739577-T-TG. GRCh37 (hg19) VCF-style: chr17-36099568-T-TG.
Other names: c.406dup, p.Gln136fs (NM_001165923.4, NM_001304286.2); short protein forms Q136fs.
Identifiers: ClinVar variation 280653 (VCV000280653.4), dbSNP rs886041820, ClinGen allele CA10603444.

ClinVar aggregate classification (germline): Pathogenic/Likely pathogenic. Review status: criteria provided, multiple submitters, no conflicts (2 of 4 stars). 3 submissions from 3 submitters: Pathogenic (2); Likely pathogenic (1). Last evaluated 2019-07-06.

Conditions:
Maturity-onset diabetes of the young (MODY). Also called: Maturity onset diabetes mellitus in young. Identifiers: Orphanet 552, MedGen C0342276, MONDO:0018911, HP:0004904.
Renal cysts and diabetes syndrome (RCAD). Also called: Familial hypoplastic, glomerulocystic kidney; MATURITY-ONSET DIABETES OF THE YOUNG, TYPE 5. Identifiers: Orphanet 93111, MedGen C0431693, MONDO:0007669, OMIM 137920.

Submissions (3):

Institute of Human Genetics, FAU Erlangen, Friedrich-Alexander-Universität Erlangen-Nürnberg
Classification: Pathogenic for Renal cysts and diabetes syndrome. Last evaluated: 2019-07-06. Review status: criteria provided, single submitter. Criteria: ACMG Guidelines, 2015. Collection method: literature only. Allele origin: germline. Affected: yes.
Comment: This variant and it's classification has been reported by Vasileiou et al. 2019; DOI:10.1101/576918. The variants has previously been reported in ClinVar:280653 as "NM_000458.3(HNF1B):c.406dupC (p.Gln136Profs)" with clinical significance Pathogenic. It has been re-classified using InterVar and manual curation as Pathogenic based on PVS1 PM2 PP3.

GeneDx
Classification: Pathogenic. Last evaluated: 2016-06-04. Review status: criteria provided, single submitter. Criteria: GeneDx Variant Classification (06012015). Collection method: clinical testing. Allele origin: germline. Affected: yes.
Comment: The c.406dupC pathogenic variant in the HNF1B gene has not been reported previously as a pathogenic variant nor as a benign variant, to our knowledge. The c.406dupC variant causes a frameshift starting with codon Glutamine 136, changes this amino acid to a Proline residue, and creates a premature Stop codon at position 86 of the new reading frame, denoted p.Gln136ProfsX86. This variant is predicted to cause loss of normal protein function either through protein truncation or nonsense-mediated mRNA decay. The c.406dupC variant was not observed in approximately 6500 individuals of European and African American ancestry in the NHLBI Exome Sequencing Project, indicating it is not a common benign variant in these populations. We interpret c.406dupC as a pathogenic variant

Clinical Genomics, Uppaluri K&H Personalized Medicine Clinic
Classification: Likely pathogenic for Maturity-onset diabetes of the young. Review status: criteria provided, single submitter. Criteria: K & H Uppaluri Personalized Medicine Clinic Variant Classification & Assertion Criteria_Updated V.1. Collection method: research. Allele origin: unknown. Inheritance: Autosomal dominant inheritance.
Comment: HNF1B gene mutations are associated with early onset diabetes and pancreatic atrophy. It is also associated with multiple renal manifestations including renal cysts, Tubulointerstitial disease, glomerulocystic disease, renal hypoplasia, hypomagnesemia.However no sufficient evidence is found to ascertain the role of this particular variant rs886041820, yet.

Literature cited by the submitters: DOI 10.1101/576918 (cited by Institute of Human Genetics, FAU Erlangen, Friedrich-Alexander-Universität Erlangen-Nürnberg); PubMed 24897035 (cited by Clinical Genomics, Uppaluri K&H Personalized Medicine Clinic); PubMed 25536396 (cited by Clinical Genomics, Uppaluri K&H Personalized Medicine Clinic); PubMed 27615128 (cited by Clinical Genomics, Uppaluri K&H Personalized Medicine Clinic); PubMed 28215227 (cited by Clinical Genomics, Uppaluri K&H Personalized Medicine Clinic); PubMed 33434175 (cited by Clinical Genomics, Uppaluri K&H Personalized Medicine Clinic); PubMed 25741167 (cited by Clinical Genomics, Uppaluri K&H Personalized Medicine Clinic); PubMed 26340261 (cited by Clinical Genomics, Uppaluri K&H Personalized Medicine Clinic); PubMed 19639018 (cited by Clinical Genomics, Uppaluri K&H Personalized Medicine Clinic).